The following is an entry in ClinVar:

ClinVar aggregate classification (germline): Uncertain significance (1 of 4 stars; one submission).

Conditions:
Inborn genetic diseases. Identifiers: MedGen C0950123, MeSH D030342.

Submission:

Ambry Genetics
Classification: Uncertain significance for Inborn genetic diseases. Last evaluated: 2020-08-26. Review status: criteria provided, single submitter. Criteria: Ambry Variant Classification Scheme 2023. Collection method: clinical testing. Allele origin: germline.
Comment: The p.S296N variant (also known as c.887G>A), located in coding exon 9 of the MTMR2 gene, results from a G to A substitution at nucleotide position 887. The serine at codon 296 is replaced by asparagine, an amino acid with highly similar properties. This amino acid position is well conserved in available vertebrate species. In addition, this alteration is predicted to be tolerated by in silico analysis. Since supporting evidence is limited at this time, the clinical significance of this alteration remains unclear.

NM_016156.6(MTMR2):c.887G>A (p.Ser296Asn)

Gene: MTMR2 (myotubularin related protein 2; minus strand). Cytogenetic location: 11q21.
Variant type: single nucleotide variant.
Coding change: c.887G>A on transcript NM_016156.6 (MANE Select); coding-DNA position 887, G replaced by A.
Protein change: p.Ser296Asn; replaces serine 296 with asparagine.
Molecular consequence: missense variant.
Genome position (GRCh38, 1-based): chr11:95,849,780, C>T on the plus strand (G>A on the coding strand, the complement: MTMR2 is on the minus strand). VCF-style: chr11-95849780-C-T. GRCh37 (hg19) VCF-style: chr11-95582944-C-T.
Other names: c.671G>A, p.Ser224Asn (NM_001243571.2, NM_201278.3, NM_201281.3); short protein forms S224N, S296N.
Identifiers: ClinVar variation 1764963 (VCV001764963.2), dbSNP rs2496500516, ClinGen allele CA382425480.